The following is an entry in ClinVar:

NM_004544.4(NDUFA10):c.354C>T (p.Tyr118=)

Gene: NDUFA10 (NADH:ubiquinone oxidoreductase subunit A10; minus strand). Cytogenetic location: 2q37.3.
Variant type: single nucleotide variant.
Coding change: c.354C>T on transcript NM_004544.4 (MANE Select); coding-DNA position 354, C replaced by T.
Protein change: p.Tyr118=; no amino-acid change (tyrosine 118 retained).
Molecular consequence: synonymous variant. On other transcripts: non-coding transcript variant (4).
Genome position (GRCh38, 1-based): chr2:240,021,303, G>A on the plus strand (C>T on the coding strand, the complement: NDUFA10 is on the minus strand). VCF-style: chr2-240021303-G-A. GRCh37 (hg19) VCF-style: chr2-240960720-G-A.
Other names: c.354C>T, p.Tyr118= (NM_001322019.2, NM_001322020.2).
Identifiers: ClinVar variation 897655 (VCV000897655.11), dbSNP rs118106981, ClinGen allele CA2201081.

ClinVar aggregate classification (germline): Conflicting classifications of pathogenicity. Review status: criteria provided, conflicting classifications (1 of 4 stars). 5 submissions from 4 submitters: Uncertain significance (2); Likely benign (2). 1 of the submissions does not count toward it. Last evaluated 2024-09-23.

Conditions:
Mitochondrial complex I deficiency, nuclear type 1. Also called: NADH-COENZYME Q REDUCTASE DEFICIENCY; MITOCHONDRIAL NADH DEHYDROGENASE COMPONENT OF COMPLEX I, DEFICIENCY OF. Identifiers: MedGen C6022305, MONDO:0100224, OMIM 252010.
Leigh syndrome (NULS). Also called: Leigh Disease; Subacute necrotizing encephalopathy; Leigh Syndrome (mtDNA deletion); Leigh's syndrome; Leigh's necrotizing encephalopathy; Leigh's disease. Identifiers: Orphanet 506, MedGen C2931891, MONDO:0009723, OMIM 256000.
NDUFA10-related disorder. Also called: NDUFA10-related condition.

Allele frequency attached by ClinVar (database versions not stated): gnomAD 0.00005 and 0.00010; gnomAD exomes 0.00005 and 0.00035; TOPMed 0.00005; ExAC 0.00007; 1000 Genomes Project 30x 0.00047; 1000 Genomes Project 0.00060.
gnomAD v4.1: 517 of 1,614,132 alleles (0.032%); highest among the groups gnomAD compares: East Asian, 1.1%; 4 homozygotes.

Submissions (5):

Labcorp Genetics (formerly Invitae), Labcorp
Classification: Likely benign. Last evaluated: 2024-09-23. Review status: criteria provided, single submitter. Criteria: Invitae Variant Classification Sherloc (09022015). Collection method: clinical testing. Allele origin: germline.

GeneDx
Classification: Likely benign. Last evaluated: 2018-08-17. Review status: criteria provided, single submitter. Criteria: GeneDx Variant Classification Process June 2021. Collection method: clinical testing. Allele origin: germline. Affected: yes.
Comment: See Variant Classification Assertion Criteria.

Illumina Laboratory Services, Illumina
Classification: Uncertain significance for Mitochondrial complex I deficiency, nuclear type 1. Last evaluated: 2018-01-13. Review status: criteria provided, single submitter. Criteria: ICSL Variant Classification Criteria 13 December 2019. Collection method: clinical testing. Allele origin: germline.

Illumina Laboratory Services, Illumina
Classification: Uncertain significance for Leigh syndrome. Last evaluated: 2018-01-13. Review status: criteria provided, single submitter. Criteria: ICSL Variant Classification Criteria 13 December 2019. Collection method: clinical testing. Allele origin: germline.

PreventionGenetics, part of Exact Sciences
Classification: Likely benign for NDUFA10-related condition. Last evaluated: 2020-08-03. Review status: no assertion criteria provided. Collection method: clinical testing. Allele origin: germline. Not counted in ClinVar's aggregate classification.
Comment: This variant is classified as likely benign based on ACMG/AMP sequence variant interpretation guidelines (Richards et al. 2015 PMID: 25741868, with internal and published modifications).